The following is an entry in ClinVar:

ClinVar aggregate classification (germline): Uncertain significance (1 of 4 stars; one submission).

Conditions:
Dilated cardiomyopathy 1M (CMD1M). Identifiers: Orphanet 154, MedGen C1843808, MONDO:0011840, OMIM 607482.
Hypertrophic cardiomyopathy 12. Identifiers: MedGen C2677491, MONDO:0012804, OMIM 612124.

gnomAD v4.1: 2 of 1,614,224 alleles (0.00012%); highest among the groups gnomAD compares: Non-Finnish European, 0.00017%; no homozygotes.

Submission:

Labcorp Genetics (formerly Invitae), Labcorp
Classification: Uncertain significance for Hypertrophic cardiomyopathy 12; Dilated cardiomyopathy 1M. Last evaluated: 2024-02-02. Review status: criteria provided, single submitter. Criteria: Invitae Variant Classification Sherloc (09022015). Collection method: clinical testing. Allele origin: germline.
Comment: This sequence change replaces proline, which is neutral and non-polar, with serine, which is neutral and polar, at codon 107 of the CSRP3 protein (p.Pro107Ser). This variant is not present in population databases (gnomAD no frequency). This variant has not been reported in the literature in individuals affected with CSRP3-related conditions. An algorithm developed to predict the effect of missense changes on protein structure and function (PolyPhen-2) suggests that this variant is likely to be tolerated. In summary, the available evidence is currently insufficient to determine the role of this variant in disease. Therefore, it has been classified as a Variant of Uncertain Significance.

NM_003476.5(CSRP3):c.319C>T (p.Pro107Ser)

Gene: CSRP3 (cysteine and glycine rich protein 3; minus strand). Cytogenetic location: 11p15.1.
Variant type: single nucleotide variant.
Coding change: c.319C>T on transcript NM_003476.5 (MANE Select); coding-DNA position 319, C replaced by T.
Protein change: p.Pro107Ser; replaces proline 107 with serine.
Molecular consequence: missense variant. On other transcripts: synonymous variant (1).
Genome position (GRCh38, 1-based): chr11:19,186,311, G>A on the plus strand (C>T on the coding strand, the complement: CSRP3 is on the minus strand). VCF-style: chr11-19186311-G-A. GRCh37 (hg19) VCF-style: chr11-19207858-G-A.
Other names: c.150C>T, p.Thr50= (NM_001369404.1); short protein forms P107S.
Identifiers: ClinVar variation 3748375 (VCV003748375.2).